The following is an entry in ClinVar:

ClinVar aggregate classification (germline): Uncertain significance (1 of 4 stars; one submission).

Conditions:
Microcephaly 4, primary, autosomal recessive. Identifiers: Orphanet 2512, MedGen C1858516, MONDO:0011437, OMIM 604321.

Submission:

Neuberg Centre For Genomic Medicine, NCGM
Classification: Uncertain significance for Microcephaly 4, primary, autosomal recessive. Review status: criteria provided, single submitter. Criteria: ACMG Guidelines, 2015. Collection method: clinical testing. Allele origin: germline. Inheritance: Autosomal recessive inheritance. Affected: yes.
Comment: The missense variant in c.5463C>G (p.Cys1821Trp) in KNL1 gene has not been reported previously as a pathogenic variant nor as a benign variant, to our knowledge. The p.Cys1821Trp variant is novel (not in any individuals) in gnomAD Exomes and 1000 Genomes. The amino acid Cys at position 1821 is changed to a Trp changing protein sequence and it might alter its composition and physico-chemical properties. The amino acid change p.Cys1821Trp in KNL1 is predicted as conserved by GERP++ and PhyloP across 100 vertebrates. For these reasons, this variant has been classified as Uncertain Significance.

NM_144508.5(KNL1):c.5463C>G (p.Cys1821Trp)

Gene: KNL1 (kinetochore scaffold 1; plus strand). Cytogenetic location: 15q15.1.
Variant type: single nucleotide variant.
Coding change: c.5463C>G on transcript NM_144508.5 (MANE Select); coding-DNA position 5463, C replaced by G.
Protein change: p.Cys1821Trp; replaces cysteine 1821 with tryptophan.
Molecular consequence: missense variant.
Genome position (GRCh38, 1-based): chr15:40,628,156, C>G. VCF-style: chr15-40628156-C-G. GRCh37 (hg19) VCF-style: chr15-40920354-C-G.
Other names: c.5541C>G, p.Cys1847Trp (NM_170589.5); short protein forms C1847W, C1821W.
Identifiers: ClinVar variation 2584863 (VCV002584863.1), dbSNP rs2504290015, ClinGen allele CA391770269.
Genomic context (GRCh38, chr15:40,628,156, plus strand): 5'-TATAGATAAAAGTGCTAACAGTGTATTGATAAAAAACCTGAGCAGGACCCCATCTAGTTG[C>G]AGCAGCTCTCTGGATTCAATCAAGGCTGATGGGACCTCTCTGGACTTCAGCAGTAAGAGC-3'
Protein context (NP_653091.3, residues 1811-1831): IKNLSRTPSS[Cys1821Trp]SSSLDSIKAD